The following is an entry in ClinVar:

ClinVar aggregate classification (germline): not provided (0 of 4 stars; one submission).

Conditions:
Normal pregnancy. Identifiers: MedGen C0232989.

Submission:

Institute of Molecular and Cell Biology, University of Tartu
No classification provided. Condition: Normal pregnancy. Review status: no classification provided. Collection method: case-control. Allele origin: unknown. Affected: yes. Study: Kasak2014.
Comment: The study aimed to determine the contribution of copy number variants in the genetic etiology of normal and complicated pregnancies. The samples represented (i) maternal blood DNA drawn from healthy pregnant women during 1st or 2nd trimester and (ii) maternal and paternal blood DNA drawn at term pregnancy cases representing normal and complicated gestations (severe preeclampsia, PE; gestational diabetes, GD; small-for-gestational age newborn, SGA; large-for-gestational age newborn, LGA). We performed CNV calling based on genome-wide genotyping dataset (Illumina HumanOmniExpress-24-v1 BeadChip) by applying three algorithms, QuantiSNP, GADA (Genome Alteration Detection Algorithm) and CNstream in parallel. The acquired CNV calls were merged with HD-CNV (Hotspot Detector for Copy Number Variants) program and only the CNVs predicted by at least two programs, were considered in subsequent analysis.

Literature cited by the submitters: PubMed 25666259.

CM000673.1:g.82858667_82876270dup

Genes: PCF11 (PCF11 cleavage and polyadenylation factor subunit; plus strand), LOC130006532 (ATAC-STARR-seq lymphoblastoid silent region 3819; plus strand), LOC130006533 (ATAC-STARR-seq lymphoblastoid active region 5347; plus strand), LOC130006534 (ATAC-STARR-seq lymphoblastoid silent region 3820; plus strand). Cytogenetic location: 11q14.1.
Variant type: Duplication.
Identifiers: ClinVar variation 157216 (VCV000157216.2).